The following is an entry in ClinVar:

NM_020461.4(TUBGCP6):c.2863A>G (p.Thr955Ala)

Gene: TUBGCP6 (tubulin gamma complex component 6; minus strand). Cytogenetic location: 22q13.33.
Variant type: single nucleotide variant.
Coding change: c.2863A>G on transcript NM_020461.4 (MANE Select); coding-DNA position 2863, A replaced by G.
Protein change: p.Thr955Ala; replaces threonine 955 with alanine.
Molecular consequence: missense variant.
Genome position (GRCh38, 1-based): chr22:50,221,496, T>C on the plus strand (A>G on the coding strand, the complement: TUBGCP6 is on the minus strand). VCF-style: chr22-50221496-T-C. GRCh37 (hg19) VCF-style: chr22-50659925-T-C.
Other names: short protein forms T955A.
Identifiers: ClinVar variation 954447 (VCV000954447.6), dbSNP rs754959165, ClinGen allele CA10308101.

ClinVar aggregate classification (germline): Uncertain significance (1 of 4 stars; one submission).

Allele frequency attached by ClinVar (database versions not stated): gnomAD 0.00003 and 0.00004; TOPMed 0.00003; gnomAD exomes 0.00005 and 0.00013; ExAC 0.00018.
gnomAD v4.1: 85 of 1,587,398 alleles (0.0054%); highest among the groups gnomAD compares: Admixed American, 0.013%; no homozygotes.

Submission:

Labcorp Genetics (formerly Invitae), Labcorp
Classification: Uncertain significance. Last evaluated: 2025-12-10. Review status: criteria provided, single submitter. Criteria: Invitae Variant Classification Sherloc (09022015). Collection method: clinical testing. Allele origin: germline.
Comment: This sequence change replaces threonine, which is neutral and polar, with alanine, which is neutral and non-polar, at codon 955 of the TUBGCP6 protein (p.Thr955Ala). This variant is present in population databases (rs754959165, gnomAD 0.2%). This variant has not been reported in the literature in individuals affected with TUBGCP6-related conditions. ClinVar contains an entry for this variant (Variation ID: 954447). An algorithm developed to predict the effect of missense changes on protein structure and function (PolyPhen-2) suggests that this variant is likely to be disruptive. In summary, the available evidence is currently insufficient to determine the role of this variant in disease. Therefore, it has been classified as a Variant of Uncertain Significance.